The following is an entry in ClinVar:

NM_006361.6(HOXB13):c.670A>G (p.Ser224Gly)

Gene: HOXB13 (homeobox B13; minus strand). Cytogenetic location: 17q21.32.
Variant type: single nucleotide variant.
Coding change: c.670A>G on transcript NM_006361.6 (MANE Select); coding-DNA position 670, A replaced by G.
Protein change: p.Ser224Gly; replaces serine 224 with glycine.
Molecular consequence: missense variant.
Genome position (GRCh38, 1-based): chr17:48,726,975, T>C on the plus strand (A>G on the coding strand, the complement: HOXB13 is on the minus strand). VCF-style: chr17-48726975-T-C. GRCh37 (hg19) VCF-style: chr17-46804337-T-C.
Other names: short protein forms S224G.
Identifiers: ClinVar variation 3526294 (VCV003526294.1).

ClinVar aggregate classification (germline): Uncertain significance (1 of 4 stars; one submission).

Conditions:
Hereditary cancer-predisposing syndrome. Also called: Hereditary Cancer Syndrome; Hereditary neoplastic syndrome; Tumor predisposition; Neoplastic Syndromes, Hereditary. Identifiers: Orphanet 140162, MedGen C0027672, MeSH D009386, MONDO:0015356.

Submission:

Ambry Genetics
Classification: Uncertain significance for Hereditary cancer-predisposing syndrome. Last evaluated: 2024-11-08. Review status: criteria provided, single submitter. Criteria: Ambry Variant Classification Scheme 2023. Collection method: clinical testing. Allele origin: germline.
Comment: The p.S224G variant (also known as c.670A>G), located in coding exon 2 of the HOXB13 gene, results from an A to G substitution at nucleotide position 670. The serine at codon 224 is replaced by glycine, an amino acid with similar properties. This amino acid position is not well conserved in available vertebrate species. In addition, the in silico prediction for this alteration is inconclusive. Based on the available evidence, the clinical significance of this variant remains unclear.